The following is an entry in ClinVar:

NM_013386.5(SLC25A24):c.1189A>C (p.Thr397Pro)

Gene: SLC25A24 (solute carrier family 25 member 24; minus strand). Cytogenetic location: 1p13.3.
Variant type: single nucleotide variant.
Coding change: c.1189A>C on transcript NM_013386.5 (MANE Select); coding-DNA position 1189, A replaced by C.
Protein change: p.Thr397Pro; replaces threonine 397 with proline.
Molecular consequence: missense variant.
Genome position (GRCh38, 1-based): chr1:108,139,118, T>G on the plus strand (A>C on the coding strand, the complement: SLC25A24 is on the minus strand). VCF-style: chr1-108139118-T-G. GRCh37 (hg19) VCF-style: chr1-108681740-T-G.
Other names: c.1132A>C, p.Thr378Pro (NM_213651.3); short protein forms T378P, T397P.
Identifiers: ClinVar variation 3443378 (VCV003443378.2).

ClinVar aggregate classification (germline): Uncertain significance. Review status: criteria provided, multiple submitters, no conflicts (2 of 4 stars). 2 submissions from 2 submitters: Uncertain significance (2). Last evaluated 2025-12-30.

Conditions:
Inborn genetic diseases. Identifiers: MedGen C0950123, MeSH D030342.

gnomAD v4.1: 107 of 1,610,744 alleles (0.0066%); highest among the groups gnomAD compares: Non-Finnish European, 0.0087%; no homozygotes.

Submissions (2):

Labcorp Genetics (formerly Invitae), Labcorp
Classification: Uncertain significance. Last evaluated: 2025-12-30. Review status: criteria provided, single submitter. Criteria: Invitae Variant Classification Sherloc (09022015). Collection method: clinical testing. Allele origin: germline.
Comment: This sequence change replaces threonine, which is neutral and polar, with proline, which is neutral and non-polar, at codon 397 of the SLC25A24 protein (p.Thr397Pro). This variant is present in population databases (rs774416139, gnomAD 0.02%). This variant has not been reported in the literature in individuals affected with SLC25A24-related conditions. ClinVar contains an entry for this variant (Variation ID: 3443378). Invitae Evidence Modeling of protein sequence and biophysical properties (such as structural, functional, and spatial information, amino acid conservation, physicochemical variation, residue mobility, and thermodynamic stability) indicates that this missense variant is expected to disrupt SLC25A24 protein function with a positive predictive value of 80%. In summary, the available evidence is currently insufficient to determine the role of this variant in disease. Therefore, it has been classified as a Variant of Uncertain Significance.

Ambry Genetics
Classification: Uncertain significance for Inborn genetic diseases. Last evaluated: 2024-11-14. Review status: criteria provided, single submitter. Criteria: Ambry Variant Classification Scheme 2023. Collection method: clinical testing. Allele origin: germline.